The following is an entry in ClinVar:

ClinVar aggregate classification (germline): Uncertain significance. Review status: criteria provided, multiple submitters, no conflicts (2 of 4 stars). 2 submissions from 2 submitters: Uncertain significance (2). Last evaluated 2025-12-09.

Conditions:
Long QT syndrome (LQTS). Identifiers: MedGen C0023976, MeSH D008133, MONDO:0002442. Disease mechanism: loss of function. Inheritance: Various modes of inheritance.
Cardiovascular phenotype. Identifiers: MedGen CN230736.

Allele frequency attached by ClinVar (database versions not stated): gnomAD 0.00002; TOPMed 0.00002; ExAC 0.00003; gnomAD exomes 0.00003; 1000 Genomes Project 30x 0.00016; 1000 Genomes Project 0.00020.
gnomAD v4.1: 55 of 1,614,106 alleles (0.0034%); highest among the groups gnomAD compares: Middle Eastern, 0.017%; no homozygotes.

Submissions (2):

Labcorp Genetics (formerly Invitae), Labcorp
Classification: Uncertain significance for Long QT syndrome. Last evaluated: 2025-12-09. Review status: criteria provided, single submitter. Criteria: Invitae Variant Classification Sherloc (09022015). Collection method: clinical testing. Allele origin: germline.
Comment: This sequence change replaces arginine, which is basic and polar, with glutamine, which is neutral and polar, at codon 3336 of the AKAP9 protein (p.Arg3336Gln). This variant is present in population databases (rs572101398, gnomAD 0.008%). This variant has not been reported in the literature in individuals affected with AKAP9-related conditions. ClinVar contains an entry for this variant (Variation ID: 1504742). An algorithm developed to predict the effect of missense changes on protein structure and function outputs the following: PolyPhen-2: "Benign". The glutamine amino acid residue is found in multiple mammalian species, which suggests that this missense change does not adversely affect protein function. In summary, the available evidence is currently insufficient to determine the role of this variant in disease. Therefore, it has been classified as a Variant of Uncertain Significance.

Ambry Genetics
Classification: Uncertain significance for Cardiovascular phenotype. Last evaluated: 2025-07-15. Review status: criteria provided, single submitter. Criteria: Ambry Variant Classification Scheme 2023. Collection method: clinical testing. Allele origin: germline.

NM_005751.5(AKAP9):c.10007G>A (p.Arg3336Gln)

Gene: AKAP9 (A-kinase anchoring protein 9; plus strand). Cytogenetic location: 7q21.2.
Variant type: single nucleotide variant.
Coding change: c.10007G>A on transcript NM_005751.5 (MANE Select); coding-DNA position 10007, G replaced by A.
Protein change: p.Arg3336Gln; replaces arginine 3336 with glutamine.
Molecular consequence: missense variant.
Genome position (GRCh38, 1-based): chr7:92,096,966, G>A. VCF-style: chr7-92096966-G-A. GRCh37 (hg19) VCF-style: chr7-91726280-G-A.
Other names: c.4652G>A, p.Arg1551Gln (NM_001379277.1); c.9983G>A, p.Arg3328Gln (NM_147185.3); short protein forms R3328Q, R1551Q, R3336Q.
Identifiers: ClinVar variation 1504742 (VCV001504742.12), dbSNP rs572101398, ClinGen allele CA4337882.
Genomic context (GRCh38, chr7:92,096,966, plus strand): 5'-TAGATAGGGAGCGGGAATTGCACGCACAGCTGCAGAGCAGTGATGGTACTGGACAGTCTC[G>A]GCCACCCTTGCCCTCAGAGGACCTACTGAAAGAGCTGCAGAAACAGCTAGAGGAAAAACA-3'
Protein context (NP_005742.4, residues 3326-3346): LQSSDGTGQS[Arg3336Gln]PPLPSEDLLK